The following is an entry in ClinVar:

ClinVar aggregate classification (germline): Uncertain significance. Review status: criteria provided, multiple submitters, no conflicts (2 of 4 stars). 3 submissions from 3 submitters: Uncertain significance (3). Last evaluated 2025-03-08.

Conditions:
Hereditary cancer-predisposing syndrome. Also called: Neoplastic Syndromes, Hereditary; Tumor predisposition; Hereditary neoplastic syndrome; Hereditary Cancer Syndrome. Identifiers: Orphanet 140162, MedGen C0027672, MeSH D009386, MONDO:0015356.
Familial cancer of breast. Also called: BREAST CANCER, FAMILIAL; Hereditary breast cancer; hereditary breast carcinoma. Identifiers: Orphanet 227535, MedGen C0346153, MONDO:0016419, OMIM 114480. Disease mechanism: loss of function.

Allele frequency attached by ClinVar (database versions not stated): TOPMed 0.00001.
gnomAD v4.1: 1 of 1,613,904 alleles (0.000062%); highest among the groups gnomAD compares: African/African-American, 0.0013%; no homozygotes.

Submissions (3):

Ambry Genetics
Classification: Uncertain significance for Hereditary cancer-predisposing syndrome. Last evaluated: 2025-03-08. Review status: criteria provided, single submitter. Criteria: Ambry Variant Classification Scheme 2023. Collection method: clinical testing. Allele origin: germline.
Comment: The p.T386S variant (also known as c.1156A>T), located in coding exon 4 of the PALB2 gene, results from an A to T substitution at nucleotide position 1156. The threonine at codon 386 is replaced by serine, an amino acid with similar properties. This amino acid position is poorly conserved in available vertebrate species. In addition, this alteration is predicted to be tolerated by in silico analysis. Since supporting evidence is limited at this time, the clinical significance of this alteration remains unclear.

Labcorp Genetics (formerly Invitae), Labcorp
Classification: Uncertain significance for Familial cancer of breast. Last evaluated: 2024-01-10. Review status: criteria provided, single submitter. Criteria: Invitae Variant Classification Sherloc (09022015). Collection method: clinical testing. Allele origin: germline.
Comment: This sequence change replaces threonine, which is neutral and polar, with serine, which is neutral and polar, at codon 386 of the PALB2 protein (p.Thr386Ser). This variant is not present in population databases (gnomAD no frequency). This variant has not been reported in the literature in individuals affected with PALB2-related conditions. ClinVar contains an entry for this variant (Variation ID: 629942). Advanced modeling of protein sequence and biophysical properties (such as structural, functional, and spatial information, amino acid conservation, physicochemical variation, residue mobility, and thermodynamic stability) performed at Invitae indicates that this missense variant is not expected to disrupt PALB2 protein function with a negative predictive value of 80%. In summary, the available evidence is currently insufficient to determine the role of this variant in disease. Therefore, it has been classified as a Variant of Uncertain Significance.

Color Diagnostics, LLC DBA Color Health
Classification: Uncertain significance for Hereditary cancer-predisposing syndrome. Last evaluated: 2023-12-05. Review status: criteria provided, single submitter. Criteria: ACMG Guidelines, 2015. Collection method: clinical testing. Allele origin: germline.
Comment: This missense variant replaces threonine with serine at codon 386 of the PALB2 protein. Computational prediction suggests that this variant may not impact protein structure and function (internally defined REVEL score threshold <= 0.5, PMID: 27666373). To our knowledge, functional studies have not been reported for this variant. This variant has not been reported in individuals affected with PALB2-related disorders in the literature. This variant has not been identified in the general population by the Genome Aggregation Database (gnomAD). The available evidence is insufficient to determine the role of this variant in disease conclusively. Therefore, this variant is classified as a Variant of Uncertain Significance.

NM_024675.4(PALB2):c.1156A>T (p.Thr386Ser)

Gene: PALB2 (partner and localizer of BRCA2; minus strand). Cytogenetic location: 16p12.2.
Variant type: single nucleotide variant.
Coding change: c.1156A>T on transcript NM_024675.4 (MANE Select); coding-DNA position 1156, A replaced by T.
Protein change: p.Thr386Ser; replaces threonine 386 with serine.
Molecular consequence: missense variant.
Genome position (GRCh38, 1-based): chr16:23,635,390, T>A on the plus strand (A>T on the coding strand, the complement: PALB2 is on the minus strand). VCF-style: chr16-23635390-T-A. GRCh37 (hg19) VCF-style: chr16-23646711-T-A.
Other names: short protein forms T386S.
Identifiers: ClinVar variation 629942 (VCV000629942.21), dbSNP rs148102335, ClinGen allele CA395133500.